The following is an entry in ClinVar:

ClinVar aggregate classification (germline): Benign. Review status: reviewed by expert panel (3 of 4 stars). 2 submissions from 2 submitters: Benign (1). 1 of the submissions does not count toward it. Last evaluated 2015-01-12.

Conditions:
Breast-ovarian cancer, familial, susceptibility to, 2 (BROVCA2). Also called: BRCA2 Hereditary Breast and Ovarian Cancer. Identifiers: Orphanet 145, MedGen C2675520, MONDO:0012933, OMIM 612555. Disease mechanism: loss of function.

Allele frequency attached by ClinVar (database versions not stated): 1000 Genomes Project 30x 0.25812; 1000 Genomes Project 0.26538; TOPMed 0.26765; gnomAD 0.27556 and 0.27804.
gnomAD v4.1: 42,083 of 151,750 alleles (28%); highest among the groups gnomAD compares: East Asian, 40%; 5,963 homozygotes.

Submissions (2):

Evidence-based Network for the Interpretation of Germline Mutant Alleles (ENIGMA)
Classification: Benign for Breast-ovarian cancer, familial 2. Last evaluated: 2015-01-12. Review status: reviewed by expert panel. Criteria: ENIGMA BRCA1/2 Classification Criteria (2015). Collection method: curation. Allele origin: germline.
Comment: Class 1 not pathogenic based on frequency >1% in an outbred sampleset. Frequency 0.3846 (Asian), 0.1667 (African), 0.281 (European), derived from 1000 genomes (2012-04-30).

Breakthrough Genomics
Classification: Benign. Review status: criteria provided, single submitter. Criteria: ACMG Guidelines, 2015. Collection method: not provided. Allele origin: germline. Inheritance: Autosomal recessive inheritance. Affected: yes. Not counted in ClinVar's aggregate classification.

NM_000059.4(BRCA2):c.68-454A>C

Gene: BRCA2 (BRCA2 DNA repair associated; plus strand). Cytogenetic location: 13q13.1.
Variant type: single nucleotide variant.
Coding change: c.68-454A>C on transcript NM_000059.4 (MANE Select); 454 bases into the intron before coding-DNA position 68, A replaced by C.
Molecular consequence: intron variant.
Genome position (GRCh38, 1-based): chr13:32,318,623, A>C. VCF-style: chr13-32318623-A-C. GRCh37 (hg19) VCF-style: chr13-32892760-A-C.
Other names: IVS 2-454A>C.
Identifiers: ClinVar variation 209615 (VCV000209615.2), dbSNP rs11571583, ClinGen allele CA276584.